The following is an entry in ClinVar:

NM_001103.4(ACTN2):c.697G>A (p.Asp233Asn)

Gene: ACTN2 (actinin alpha 2; plus strand). Cytogenetic location: 1q43.
Variant type: single nucleotide variant.
Coding change: c.697G>A on transcript NM_001103.4 (MANE Select); coding-DNA position 697, G replaced by A.
Protein change: p.Asp233Asn; replaces aspartic acid 233 with asparagine.
Molecular consequence: missense variant. On other transcripts: 5 prime UTR variant (1).
Genome position (GRCh38, 1-based): chr1:236,731,314, G>A. VCF-style: chr1-236731314-G-A. GRCh37 (hg19) VCF-style: chr1-236894614-G-A.
Other names: c.697G>A, p.Asp233Asn (NM_001278343.2); c.-125G>A (NM_001278344.2); short protein forms D233N.
Identifiers: ClinVar variation 850140 (VCV000850140.14), dbSNP rs904672923, ClinGen allele CA39718937.
Genomic context (GRCh38, chr1:236,731,314, plus strand): 5'-AACCTGGCCATGGAAATCGCTGAGAAGCACCTGGATATTCCTAAAATGTTGGATGCTGAA[G>A]GTGAGATGAAAATTGTGTTTGCTGAGTTACAGGAAATTTGAAGACTACAAATGTTATGGC-3'
Protein context (NP_001094.1, residues 223-243): LDIPKMLDAE[Asp233Asn]IVNTPKPDER

ClinVar aggregate classification (germline): Uncertain significance. Review status: criteria provided, multiple submitters, no conflicts (2 of 4 stars). 3 submissions from 3 submitters: Uncertain significance (3). Last evaluated 2023-04-06.

Conditions:
Dilated cardiomyopathy 1AA (CMD1AA). Also called: CARDIOMYOPATHY, DILATED, 1AA, WITH OR WITHOUT LEFT VENTRICULAR NONCOMPACTION; CARDIOMYOPATHY, FAMILIAL HYPERTROPHIC, 23, WITH OR WITHOUT LEFT VENTRICULAR NONCOMPACTION; Cardiomyopathy, dilated, 1AA, with or without LVNC. Identifiers: Orphanet 154, MedGen C2677338, MONDO:0012808, OMIM 612158.
Primary familial hypertrophic cardiomyopathy (HCM). Identifiers: Orphanet 99739, MedGen C0949658, MeSH D024741, MONDO:0024573. Inheritance: Various modes of inheritance.
Cardiovascular phenotype. Identifiers: MedGen CN230736.

Allele frequency attached by ClinVar (database versions not stated): TOPMed 0.00001.

Submissions (3):

Ambry Genetics
Classification: Uncertain significance for Cardiovascular phenotype. Last evaluated: 2023-04-06. Review status: criteria provided, single submitter. Criteria: Ambry Variant Classification Scheme 2023. Collection method: clinical testing. Allele origin: germline.
Comment: The c.697G>A variant (also known as p.D233N), located in coding exon 7 of the ACTN2 gene, results from a G to A substitution at nucleotide position 697. The aspartic acid at codon 233 is replaced by asparagine, an amino acid with highly similar properties. However, this change occurs in the last base pair of coding exon 7 and may have some effect on normal mRNA splicing. This nucleotide position is highly conserved in available vertebrate species. In silico splice site analysis predicts that this alteration may weaken the native splice donor site. This amino acid position is highly conserved in available vertebrate species. As a missense substitution, this alteration is predicted to be tolerated by in silico analysis. In addition, loss of function of ACTN2 has not been established as a mechanism of disease. Since supporting evidence is limited at this time, the clinical significance of this alteration remains unclear.

GeneDx
Classification: Uncertain significance. Last evaluated: 2021-09-07. Review status: criteria provided, single submitter. Criteria: GeneDx Variant Classification Process June 2021. Collection method: clinical testing. Allele origin: germline. Affected: yes.
Comment: Has not been previously published as pathogenic or benign to our knowledge; Not observed in large population cohorts (Lek et al., 2016); Reported in ClinVar but additional evidence is not available (ClinVar Variant ID #850140; Landrum et al., 2016); In silico analysis supports that this missense variant has a deleterious effect on protein structure/function; In-silico analysis, which includes splice predictors and evolutionary conservation, is inconclusive as to whether the variant alters gene splicing. In the absence of RNA/functional studies, the actual effect of this sequence change is unknown.

Labcorp Genetics (formerly Invitae), Labcorp
Classification: Uncertain significance for Primary familial hypertrophic cardiomyopathy; Dilated cardiomyopathy 1AA. Last evaluated: 2019-03-18. Review status: criteria provided, single submitter. Criteria: Invitae Variant Classification Sherloc (09022015). Collection method: clinical testing. Allele origin: germline.
Comment: In summary, the available evidence is currently insufficient to determine the role of this variant in disease. Therefore, it has been classified as a Variant of Uncertain Significance. Nucleotide substitutions within the consensus splice site are a relatively common cause of aberrant splicing (PMID: 17576681, 9536098). Algorithms developed to predict the effect of sequence changes on RNA splicing suggest that this variant may disrupt the consensus splice site, but this prediction has not been confirmed by published transcriptional studies. Algorithms developed to predict the effect of missense changes on protein structure and function are either unavailable or do not agree on the potential impact of this missense change (SIFT: "Tolerated"; PolyPhen-2: "Probably Damaging"; Align-GVGD: "Class C0"). This variant has not been reported in the literature in individuals with ACTN2-related conditions. This variant is not present in population databases (ExAC no frequency). This sequence change replaces aspartic acid with asparagine at codon 233 of the ACTN2 protein (p.Asp233Asn). The aspartic acid residue is highly conserved and there is a small physicochemical difference between aspartic acid and asparagine. This variant also falls at the last nucleotide of exon 7 of the ACTN2 coding sequence, which is part of the consensus splice site for this exon.

Literature cited by the submitters: PubMed 17576681 (cited by Labcorp Genetics (formerly Invitae), Labcorp); PubMed 9536098 (cited by Labcorp Genetics (formerly Invitae), Labcorp).